The following is an entry in ClinVar:

ClinVar aggregate classification (germline): Pathogenic. Review status: criteria provided, multiple submitters, no conflicts (2 of 4 stars). 9 submissions from 9 submitters: Pathogenic (7). 2 of the submissions do not count toward it. Last evaluated 2025-12-24.

Conditions:
Beta-thalassemia HBB/LCRB. Identifiers: MedGen CN322236, MONDO:0013517, OMIM 613985.
beta Thalassemia (BTHAL). Also called: Cooley's anemia; Erythroblastic anemia; Mediterranean anemia. Identifiers: Orphanet 848, MedGen C0005283, MONDO:0019402. Disease mechanism: loss of function.

Submissions (9):

Natera, Inc.
Classification: Pathogenic for Beta thalassemia. Last evaluated: 2025-12-24. Review status: criteria provided, single submitter. Criteria: Natera Variant Classification Schema (03/2026). Collection method: clinical testing. Allele origin: germline.
Comment: The c.251delG variant in HBB is a frameshift variant predicted to shift the reading frame beginning at codon 84 and leads to a stop codon 6 codons downstream. This variant is expected to result in nonsense mediated decay, truncation, or a dysfunctional protein product. This variant is rare in the general population with a frequency below the threshold expected for the associated phenotype(s). This variant has been observed in one or more individuals affected with the associated recessive disease, as either homozygous or compound heterozygous with a second variant (PMID: 25825561). Given the available evidence, this variant is classified as Pathogenic.

ARUP Laboratories, Molecular Genetics and Genomics, ARUP Laboratories
Classification: Pathogenic. Last evaluated: 2025-01-21. Review status: criteria provided, single submitter. Criteria: ARUP Molecular Germline Variant Investigation Process 2024. Collection method: clinical testing. Allele origin: germline.
Comment: The HBB c.251delG; p.Gly84AlafsTer6variant (also known as Codons 82/83 (-G), rs193922555, HbVar ID: 875) is reported in the literature in multiple individuals with beta(0) thalassemia in the homozygous or compound heterozygous state (see HbVar and references therein, Al-Allawi 2014, Hancer 2020, Ulasli 2015). This variant is also reported in ClinVar (Variation ID: 36306), but is also absent from the Genome Aggregation Database, indicating it is not a common polymorphism. This variant causes a frameshift by deleting a single nucleotide, so it is predicted to result in a truncated protein or mRNA subject to nonsense-mediated decay. Based on available information, this variant is considered to be pathogenic. References: Link to HbVar database: Al-Allawi NA et al. Beta-thalassemia intermedia in Northern Iraq: a single center experience. Biomed Res Int. 2014;2014:262853. PMID: 24719849. HanÃ§er VS et al. Two Rare Pathogenic HBB Variants in a Patient with Beta-Thalassemia Intermedia. Turk J Haematol. 2020 May 6;37(2):135-136. PMID: 32069775. Ulasli M et al. Novel ?eta-Thalassemia Mutation in Turkish Children. Indian J Hematol Blood Transfus. 2015 Jun;31(2):218-22. PMID: 25825561.

Labcorp Genetics (formerly Invitae), Labcorp
Classification: Pathogenic. Last evaluated: 2024-02-16. Review status: criteria provided, single submitter. Criteria: Invitae Variant Classification Sherloc (09022015). Collection method: clinical testing. Allele origin: germline.
Comment: This sequence change creates a premature translational stop signal (p.Gly84Alafs*6) in the HBB gene. It is expected to result in an absent or disrupted protein product. Loss-of-function variants in HBB are known to be pathogenic (PMID: 23637309). This variant is not present in population databases (gnomAD no frequency). This premature translational stop signal has been observed in individual(s) with beta thalassemia (PMID: 2525253, 24719849, 27756326, 28670940). This variant is also known as 250delG and 82/83 (-G). ClinVar contains an entry for this variant (Variation ID: 36306). For these reasons, this variant has been classified as Pathogenic.

MGZ Medical Genetics Center
Classification: Pathogenic for Beta-thalassemia HBB/LCRB. Last evaluated: 2022-06-03. Review status: criteria provided, single submitter. Criteria: ACMG Guidelines, 2015. Collection method: clinical testing. Allele origin: germline. Affected: yes. Observed: 1 variant allele.
Comment: ACMG criteria applied: PVS1_STR, PS4, PM3, PM2_SUP

Quest Diagnostics Nichols Institute San Juan Capistrano
Classification: Pathogenic. Last evaluated: 2022-01-12. Review status: criteria provided, single submitter. Criteria: Quest Diagnostics criteria. Collection method: clinical testing. Allele origin: unknown.
Comment: The HBB c.251del (p.Gly84Alafs*6) variant (also known as 250delG and 82/83 (-G)) alters the translational reading frame of the HBB mRNA and causes the premature termination of HBB protein synthesis. This variant is associated with beta(0)-thalassemia (PMIDs: 28670940 (2017), 24719849 (2014), 1740317 (1992),1517107 (1992), 2525253 (1989)). Based on the available information, this variant is classified as pathogenic.

Women's Health and Genetics/Laboratory Corporation of America, LabCorp
Classification: Pathogenic for beta Thalassemia. Last evaluated: 2017-05-24. Review status: criteria provided, single submitter. Criteria: LabCorp Variant Classification Summary - May 2015. Collection method: clinical testing. Allele origin: germline.
Comment: Variant summary: The HBB c.251delG (p.Gly84Alafs) variant results in a premature termination codon, predicted to cause a truncated or absent HBB protein due to nonsense mediated decay, which are commonly known mechanisms for disease. Truncations downstream of this position have been classified as pathogenic by our laboratory (e.g. c.287dupA, p.Leu97fs). The variant of interest has not been found in a large and broad control population from ExAC in 121390 control chromosomes. This variant was reported in patients with beta thalassemia in a homozygous state as well compound heterozygotes with other pathogenic variants, including evidence of cosegregation with disease (El-Kalla_1997, Rahimi_2010, Al-Allawi_2014, and Ulasli_2015). In an Iraqi study that included 74 beta thalassemia patients, it was found in nine patients and was the third most common mutation (Al-Allawi_2014). In another Iranian study that included 185 beta thalassemia patients, its allele frequency was 1.08% (Rahimi_2010). Available data including clinical and biochemical picture of heterozygous carriers supports that this variant causes transfusion-dependent thalassemia in a homozygous state or in a compound heterozygous state with another severe (beta0) variant. Multiple clinical diagnostic laboratories/reputable databases have classified this variant as pathogenic. Taken together, this variant is classified as pathogenic.

Clinical Genetics and Genomics, Karolinska University Hospital
Classification: Pathogenic. Last evaluated: 2014-11-06. Review status: criteria provided, single submitter. Criteria: ACMG Guidelines, 2015. Collection method: clinical testing. Allele origin: germline. Affected: yes. Observed: 3 variant alleles.

The ITHANET community portal, The Cyprus Institute of Neurology and Genetics
Classification: Pathogenic for beta Thalassemia. Last evaluated: 2019-11-25. Review status: no assertion criteria provided. Collection method: curation. Allele origin: germline. Not counted in ClinVar's aggregate classification.

Counsyl
Classification: Pathogenic for Beta-thalassemia HBB/LCRB. Last evaluated: 2015-11-16. Review status: no assertion criteria provided. Collection method: clinical testing. Allele origin: unknown. Not counted in ClinVar's aggregate classification.

Literature cited by the submitters: PubMed 25825561 (cited by 3 submitters); PubMed 23637309 (cited by Labcorp Genetics (formerly Invitae), Labcorp); PubMed 2525253 (cited by 4 submitters); PubMed 24719849 (cited by 4 submitters); PubMed 27756326 (cited by Labcorp Genetics (formerly Invitae), Labcorp and Quest Diagnostics Nichols Institute San Juan Capistrano); PubMed 28670940 (cited by Labcorp Genetics (formerly Invitae), Labcorp and Quest Diagnostics Nichols Institute San Juan Capistrano); PubMed 32069775 (cited by Quest Diagnostics Nichols Institute San Juan Capistrano); PubMed 9163586 (cited by Quest Diagnostics Nichols Institute San Juan Capistrano); PubMed 25016698 (cited by Quest Diagnostics Nichols Institute San Juan Capistrano and Women's Health and Genetics/Laboratory Corporation of America, LabCorp); PubMed 9140720 (cited by Quest Diagnostics Nichols Institute San Juan Capistrano and Women's Health and Genetics/Laboratory Corporation of America, LabCorp); PubMed 1740317 (cited by 3 submitters); PubMed 1517107 (cited by 3 submitters); PubMed 22356097 (cited by Women's Health and Genetics/Laboratory Corporation of America, LabCorp); PubMed 24828949 (cited by Women's Health and Genetics/Laboratory Corporation of America, LabCorp); PubMed 24052746 (cited by Women's Health and Genetics/Laboratory Corporation of America, LabCorp); PubMed 20437613 (cited by Women's Health and Genetics/Laboratory Corporation of America, LabCorp); PubMed 20975770 (cited by Women's Health and Genetics/Laboratory Corporation of America, LabCorp); PubMed 19437135 (cited by Women's Health and Genetics/Laboratory Corporation of America, LabCorp); PubMed 9401495 (cited by Women's Health and Genetics/Laboratory Corporation of America, LabCorp); PubMed 1483699 (cited by The ITHANET community portal, The Cyprus Institute of Neurology and Genetics); PubMed 24052702 (cited by Counsyl).

NM_000518.5(HBB):c.251del (p.Gly84fs)

Genes: HBB (hemoglobin subunit beta; minus strand), LOC106099062 (HBB recombination region; plus strand), LOC107133510 (origin of replication at HBB; plus strand). Cytogenetic location: 11p15.4.
Variant type: Deletion.
Coding change: c.251del on transcript NM_000518.5 (MANE Select); coding-DNA position 251, one base deleted (G; older notation c.251delG).
Protein change: p.Gly84fs; shifts the reading frame from glycine 84.
Molecular consequence: frameshift variant.
Genome position (GRCh38, 1-based): chr11:5,226,641, C deleted on the plus strand (G on the coding strand, the reverse complement: HBB is on the minus strand); the first of 3 consecutive C bases (chr11:5,226,641-5,226,643); deleting any one gives the same sequence. VCF-style (leftmost placement, unchanged base first): chr11-5226640-GC-G. GRCh37 (hg19) VCF-style: chr11-5247870-GC-G.
Other names: CD 82/83 (-G); c.251delG (NM_000518.5); short protein forms G84fs.
Identifiers: ClinVar variation 36306 (VCV000036306.37), dbSNP rs193922555, ClinGen allele CA213887.
Genomic context (GRCh38, chr11:5,226,640, plus strand): 5'-GAAGTTCTCAGGATCCACGTGCAGCTTGTCACAGTGCAGCTCACTCAGTGTGGCAAAGGT[GC>G]CCTTGAGGTTGTCCAGGTGAGCCAGGCCATCACTAAAGGCACCGAGCACTTTCTTGCCAT-3'